The following is an entry in ClinVar:

NM_007294.4(BRCA1):c.756T>C (p.Arg252=)

Gene: BRCA1 (BRCA1 DNA repair associated; minus strand). Cytogenetic location: 17q21.31.
Variant type: single nucleotide variant.
Coding change: c.756T>C on transcript NM_007294.4 (MANE Select); coding-DNA position 756, T replaced by C.
Protein change: p.Arg252=; no amino-acid change (arginine 252 retained).
Molecular consequence: synonymous variant. On other transcripts: 5 prime UTR variant (2), intron variant (13).
Genome position (GRCh38, 1-based): chr17:43,094,775, A>G on the plus strand (T>C on the coding strand, the complement: BRCA1 is on the minus strand). VCF-style: chr17-43094775-A-G. GRCh37 (hg19) VCF-style: chr17-41246792-A-G.
Other names: c.543T>C, p.Arg181= (NM_001407571.1, NM_001407853.1, NM_001407894.1 and 12 more transcripts); c.756T>C, p.Arg252= (NM_001407581.1, NM_001407582.1, NM_001407583.1 and 54 more transcripts); c.753T>C, p.Arg251= (NM_001407587.1, NM_001407590.1, NM_001407591.1 and 38 more transcripts); c.747T>C, p.Arg249= (NM_001407646.1, NM_001407647.1, NM_001408408.1); c.633T>C, p.Arg211= (NM_001407648.1, NM_001407664.1, NM_001407665.1 and 34 more transcripts); c.630T>C, p.Arg210= (NM_001407649.1, NM_001407670.1, NM_001407671.1 and 20 more transcripts); c.678T>C, p.Arg226= (NM_001407653.1, NM_001407654.1, NM_001407655.1 and 9 more transcripts); c.675T>C, p.Arg225= (NM_001407659.1, NM_001407660.1, NM_001407661.1 and 3 more transcripts); and 20 more.
Identifiers: ClinVar variation 184217 (VCV000184217.25), dbSNP rs786201338, ClinGen allele CA003851.

ClinVar aggregate classification (germline): Likely benign. Review status: reviewed by expert panel (3 of 4 stars). 8 submissions from 8 submitters: Likely benign (1). 7 of the submissions do not count toward it. Last evaluated 2017-06-29.

Conditions:
Hereditary breast ovarian cancer syndrome. Also called: Hereditary breast and ovarian cancer syndrome; Hereditary breast and ovarian cancer syndrome (HBOC); BRCA1- and BRCA2-Associated Hereditary Breast and Ovarian Cancer; Breast and ovarian cancer; Hereditary breast and ovarian cancer; Hereditary breast and/or ovarian cancer syndrome. Identifiers: Orphanet 145, MedGen C0677776, MeSH D061325, MONDO:0003582. Disease mechanism: loss of function.
Breast-ovarian cancer, familial, susceptibility to, 1 (BROVCA1). Also called: OVARIAN CANCER, SUSCEPTIBILITY TO; BRCA1 Hereditary Breast and Ovarian Cancer. Identifiers: Orphanet 145, MedGen C2676676, MONDO:0011450, OMIM 604370. Disease mechanism: loss of function.
Hereditary cancer-predisposing syndrome. Also called: Hereditary Cancer Syndrome; Hereditary neoplastic syndrome; Tumor predisposition; Neoplastic Syndromes, Hereditary. Identifiers: Orphanet 140162, MedGen C0027672, MeSH D009386, MONDO:0015356.

Allele frequency attached by ClinVar (database versions not stated): gnomAD exomes 0.00001.
gnomAD v4.1: 12 of 1,612,136 alleles (0.00074%); highest among the groups gnomAD compares: East Asian, 0.027%; no homozygotes.

Submissions (8):

Evidence-based Network for the Interpretation of Germline Mutant Alleles (ENIGMA)
Classification: Likely benign for Breast-ovarian cancer, familial, susceptibility to, 1. Last evaluated: 2017-06-29. Review status: reviewed by expert panel. Criteria: ENIGMA BRCA1/2 Classification Criteria (2017-06-29). Collection method: curation. Allele origin: germline.
Comment: Synonymous substitution variant, with low bioinformatic likelihood to result in a splicing aberration (Splicing prior probability 0.02).

Labcorp Genetics (formerly Invitae), Labcorp
Classification: Likely benign for Hereditary breast ovarian cancer syndrome. Last evaluated: 2025-12-01. Review status: criteria provided, single submitter. Criteria: Invitae Variant Classification Sherloc (09022015). Collection method: clinical testing. Allele origin: germline. Not counted in ClinVar's aggregate classification.

All of Us Research Program, National Institutes of Health
Classification: Likely benign for Breast-ovarian cancer, familial, susceptibility to, 1. Last evaluated: 2023-03-28. Review status: criteria provided, single submitter. Criteria: ACMG Guidelines, 2015. Collection method: clinical testing. Allele origin: germline. Inheritance: Autosomal dominant inheritance. Observed: 1 variant allele, 1 heterozygote. Not counted in ClinVar's aggregate classification.
Comment: This study involves interpretation of variants in research participants for the purpose of population health screening. Participant phenotype was not available at the time of variant classification. Additional details can be found in publication PMID: 35346344, PMCID: PMC8962531

Women's Health and Genetics/Laboratory Corporation of America, LabCorp
Classification: Likely benign. Last evaluated: 2020-12-17. Review status: criteria provided, single submitter. Criteria: LabCorp Variant Classification Summary - May 2015. Collection method: clinical testing. Allele origin: germline. Not counted in ClinVar's aggregate classification.

Color Diagnostics, LLC DBA Color Health
Classification: Likely benign for Hereditary cancer-predisposing syndrome. Last evaluated: 2019-11-25. Review status: criteria provided, single submitter. Criteria: ACMG Guidelines, 2015. Collection method: clinical testing. Allele origin: germline. Not counted in ClinVar's aggregate classification.

Ambry Genetics
Classification: Likely benign for Hereditary cancer-predisposing syndrome. Last evaluated: 2017-09-26. Review status: criteria provided, single submitter. Criteria: Ambry Variant Classification Scheme 2023. Collection method: clinical testing. Allele origin: germline. Not counted in ClinVar's aggregate classification.

GeneDx
Classification: Likely benign. Last evaluated: 2016-02-22. Review status: criteria provided, single submitter. Criteria: GeneDx Variant Classification (06012015). Collection method: clinical testing. Allele origin: germline. Affected: yes. Not counted in ClinVar's aggregate classification.
Comment: This variant is considered likely benign or benign based on one or more of the following criteria: it is a conservative change, it occurs at a poorly conserved position in the protein, it is predicted to be benign by multiple in silico algorithms, and/or has population frequency not consistent with disease.

Counsyl
Classification: Likely benign for Breast-ovarian cancer, familial, susceptibility to, 1. Last evaluated: 2016-07-27. Review status: no assertion criteria provided. Collection method: clinical testing. Allele origin: unknown. Not counted in ClinVar's aggregate classification.